The following is an entry in ClinVar:

ClinVar aggregate classification (germline): Uncertain significance. Review status: criteria provided, multiple submitters, no conflicts (2 of 4 stars). 4 submissions from 4 submitters: Uncertain significance (4). Last evaluated 2025-07-18.

Conditions:
Bethlem myopathy 1A. Also called: Bethlem myopathy 1; MYOPATHY, BENIGN CONGENITAL, WITH CONTRACTURES; Bethlem Muscular Dystrophy. Identifiers: Orphanet 610, MedGen CN029274, MONDO:0024530, OMIM 158810.

Allele frequency attached by ClinVar (database versions not stated): ExAC 0.00003; gnomAD 0.00005 and 0.00006; gnomAD exomes 0.00005; TOPMed 0.00009.
gnomAD v4.1: 72 of 1,606,070 alleles (0.0045%); highest among the groups gnomAD compares: Middle Eastern, 0.016%; no homozygotes.

Submissions (4):

Labcorp Genetics (formerly Invitae), Labcorp
Classification: Uncertain significance for Bethlem myopathy 1A. Last evaluated: 2025-07-18. Review status: criteria provided, single submitter. Criteria: Invitae Variant Classification Sherloc (09022015). Collection method: clinical testing. Allele origin: germline.
Comment: This sequence change replaces arginine, which is basic and polar, with glutamine, which is neutral and polar, at codon 937 of the COL6A2 protein (p.Arg937Gln). This variant is present in population databases (rs777354703, gnomAD 0.01%). This variant has not been reported in the literature in individuals affected with COL6A2-related conditions. ClinVar contains an entry for this variant (Variation ID: 282183). Invitae Evidence Modeling of protein sequence and biophysical properties (such as structural, functional, and spatial information, amino acid conservation, physicochemical variation, residue mobility, and thermodynamic stability) has been performed for this missense variant. However, the output from this modeling did not meet the statistical confidence thresholds required to predict the impact of this variant on COL6A2 protein function. This variant disrupts the p.Arg937 amino acid residue in COL6A2. Other variant(s) that disrupt this residue have been determined to be pathogenic (PMID: 30564623; internal data). This suggests that this residue is clinically significant, and that variants that disrupt this residue are likely to be disease-causing. In summary, the available evidence is currently insufficient to determine the role of this variant in disease. Therefore, it has been classified as a Variant of Uncertain Significance.

Revvity Omics, Revvity
Classification: Uncertain significance. Last evaluated: 2024-09-09. Review status: criteria provided, single submitter. Criteria: ACMG Guidelines, 2015. Collection method: clinical testing. Allele origin: germline.

GeneDx
Classification: Uncertain significance. Last evaluated: 2017-06-06. Review status: criteria provided, single submitter. Criteria: GeneDx Variant Classification (06012015). Collection method: clinical testing. Allele origin: germline. Affected: yes.
Comment: A variant of uncertain significance has been identified in the COL6A2 gene. The R937Q variant has been reported previously in an individual with Bethlem myopathy who had two other COL6A2 variants identified; however, parental testing was not completed (Stehikova et al., 2016). The R937Q variant is not observed at a significant frequency in large population cohorts (Lek et al., 2016; 1000 Genomes Consortium et al., 2015; Exome Variant Server). The R937Q variant is a semi-conservative amino acid substitution, which may impact secondary protein structure as these residues differ in some properties. This substitution occurs at a position that is conserved across species. In silico analysis is inconsistent in its predictions as to whether or not the variant is damaging to the protein structure/function. Therefore, based on the currently available information, it is unclear whether this variant is a pathogenic variant or a rare benign variant.

Eurofins Ntd Llc (ga)
Classification: Uncertain significance. Last evaluated: 2015-07-31. Review status: criteria provided, single submitter. Criteria: EGL Classification Definitions 2015. Collection method: clinical testing. Allele origin: germline. Observed: 3 variant alleles, 3 heterozygotes.

Literature cited by the submitters: PubMed 30564623 (cited by Labcorp Genetics (formerly Invitae), Labcorp).

NM_001849.4(COL6A2):c.2810G>A (p.Arg937Gln)

Gene: COL6A2 (collagen type VI alpha 2 chain; plus strand). Cytogenetic location: 21q22.3.
Variant type: single nucleotide variant.
Coding change: c.2810G>A on transcript NM_001849.4 (MANE Select); coding-DNA position 2810, G replaced by A.
Protein change: p.Arg937Gln; replaces arginine 937 with glutamine.
Molecular consequence: missense variant.
Genome position (GRCh38, 1-based): chr21:46,132,302, G>A. VCF-style: chr21-46132302-G-A. GRCh37 (hg19) VCF-style: chr21-47552216-G-A.
Other names: short protein forms R937Q.
Identifiers: ClinVar variation 282183 (VCV000282183.17), dbSNP rs777354703, ClinGen allele CA10073032.
Genomic context (GRCh38, chr21:46,132,302, plus strand): 5'-TGGGCGCAGGCGTGGTGCACGCCATCAATGCCATCGTGCGCAGCCCGCGTGGCGGGGCCC[G>A]GAGGCACGCAGAGCTGTCCTTCGTGTTCCTCACGGACGGCGTCACGGGCAACGACAGTCT-3'
Protein context (NP_001840.3, residues 927-947): AIVRSPRGGA[Arg937Gln]RHAELSFVFL